The following is an entry in ClinVar:

ClinVar aggregate classification (germline): Likely benign (1 of 4 stars; one submission).

gnomAD v4.1: 9 of 1,614,132 alleles (0.00056%); highest among the groups gnomAD compares: Non-Finnish European, 0.00059%; no homozygotes.

Submission:

CeGaT Center for Human Genetics Tuebingen
Classification: Likely benign. Last evaluated: 2025-10-01. Review status: criteria provided, single submitter. Criteria: CeGaT Center For Human Genetics Tuebingen Variant Classification Criteria Version 2. Collection method: clinical testing. Allele origin: germline. Affected: yes. Observed: 1 variant allele.
Comment: KMT5B: BS2

NM_017635.5(KMT5B):c.2560C>G (p.Pro854Ala)

Gene: KMT5B (lysine methyltransferase 5B; minus strand). Cytogenetic location: 11q13.2.
Variant type: single nucleotide variant.
Coding change: c.2560C>G on transcript NM_017635.5 (MANE Select); coding-DNA position 2560, C replaced by G.
Protein change: p.Pro854Ala; replaces proline 854 with alanine.
Molecular consequence: missense variant.
Genome position (GRCh38, 1-based): chr11:68,157,786, G>C on the plus strand (C>G on the coding strand, the complement: KMT5B is on the minus strand). VCF-style: chr11-68157786-G-C. GRCh37 (hg19) VCF-style: chr11-67925253-G-C.
Other names: c.2044C>G, p.Pro682Ala (NM_001300907.1, NM_001369428.1, NM_001369429.1 and 4 more transcripts); c.1840C>G, p.Pro614Ala (NM_001300908.2); c.2560C>G, p.Pro854Ala (NM_001369426.1); short protein forms P614A, P682A, P854A.
Identifiers: ClinVar variation 4534578 (VCV004534578.6).
Genomic context (GRCh38, chr11:68,157,786, plus strand): 5'-TTGAAGAAATGTCAATATCTATAGAGTCTTTTCCAACTATTAACCTCAAGCGCTTAGCTG[G>C]AGGAAGAGGAATAAAATCGTCTTCAAAGTCATCATCATAGTCATCCTCCTCTTCATCGCC-3'
Protein context (NP_060105.3, residues 844-864): DFEDDFIPLP[Pro854Ala]AKRLRLIVGK